The following is an entry in ClinVar:

ClinVar aggregate classification (germline): Pathogenic (1 of 4 stars; one submission).

Conditions:
Macrocephaly-developmental delay syndrome (MRT41). Also called: INTELLECTUAL DEVELOPMENTAL DISORDER, AUTOSOMAL RECESSIVE 41. Identifiers: Orphanet 397612, MedGen C3810225, MONDO:0014289, OMIM 615637.

Submission:

Women's Health and Genetics/Laboratory Corporation of America, LabCorp
Classification: Pathogenic for Macrocephaly-developmental delay syndrome. Last evaluated: 2023-07-28. Review status: criteria provided, single submitter. Criteria: LabCorp Variant Classification Summary - May 2015. Collection method: clinical testing. Allele origin: germline.
Comment: Variant summary: KPTN c.397_398delAG (p.Ser133LeufsX25) results in a premature termination codon, predicted to cause a truncation of the encoded protein or absence of the protein due to nonsense mediated decay, which are commonly known mechanisms for disease. The variant allele was found at a frequency of 1.2e-05 in 249304 control chromosomes. To our knowledge, no occurrence of c.397_398delAG in individuals affected with Macrocephaly-Developmental Delay Syndrome and no experimental evidence demonstrating its impact on protein function have been reported. No submitters have cited clinical-significance assessments for this variant to ClinVar after 2014. Based on the evidence outlined above, the variant was classified as pathogenic.

NM_007059.3(KPTN):c.397_398delAG

Gene: KPTN (kaptin, actin binding protein; minus strand). Cytogenetic location: 19q13.32.
Variant type: Microsatellite.
Coding change: c.397_398delAG on transcript NM_007059.3; coding-DNA positions 397 to 398, 2 bases deleted (AG).
Genome position (GRCh38, 1-based): chr19:47,483,212-47,483,213, CT deleted on the plus strand (AG on the coding strand, the reverse complement: KPTN is on the minus strand); deleting any 2 consecutive bases within chr19:47,483,212-47,483,217 gives the same sequence; the c. name uses the placement nearest the transcript's 3' end. VCF-style (leftmost placement, unchanged base first): chr19-47483211-GCT-G. GRCh37 (hg19) VCF-style: chr19-47986468-GCT-G.
Identifiers: ClinVar variation 2577079 (VCV002577079.1), dbSNP rs754861924, ClinGen allele CA9540460.
Genomic context (GRCh38, chr19:47,483,211, plus strand): 5'-GGACACTCACTCCGCATGGCACAGCTGGAACGGAGTGAACTGGAGCTCCAGGTTCAGGCA[GCT>G]CTCTGTAGGCAGGGCACAGGCAGGTTAGCATGGGGGACCTGCTGGGGACTCTCTCCCTCC-3'